The following is an entry in ClinVar:

Conditions:
Long QT syndrome 5 (LQT5). Identifiers: Orphanet 101016, Orphanet 768, MedGen C1867904, MONDO:0013372, OMIM 613695.

Submission:

Roden Lab, Vanderbilt University Medical Center
No classification provided (evidence only). Condition: Long QT syndrome 5. Review status: no classification provided. Collection method: in vitro. Allele origin: not applicable. Functional consequence: Effect on ion channel function.
ClinVar note: "not provided" was previously submitted as the classification for the variant. However, the classification appeared to be based only on an observation of functional data so it was converted to no classification on 2025-07-30.

NM_000219.6(KCNE1):c.126G>A (p.Leu42=)

Gene: KCNE1 (potassium voltage-gated channel subfamily E regulatory subunit 1; minus strand). Cytogenetic location: 21q22.12.
Variant type: single nucleotide variant.
Coding change: c.126G>A on transcript NM_000219.6 (MANE Select); coding-DNA position 126, G replaced by A.
Protein change: p.Leu42=; no amino-acid change (leucine 42 retained).
Molecular consequence: synonymous variant.
Genome position (GRCh38, 1-based): chr21:34,449,509, C>T on the plus strand (G>A on the coding strand, the complement: KCNE1 is on the minus strand). VCF-style: chr21-34449509-C-T. GRCh37 (hg19) VCF-style: chr21-35821807-C-T.
Other names: c.126G>A, p.Leu42= (NM_001127668.4, NM_001127669.4, NM_001127670.4 and 4 more transcripts).
Identifiers: ClinVar variation 3374112 (VCV003374112.2).
Genomic context (GRCh38, chr21:34,449,509, plus strand): 5'-CATGATGCCCAGGGTGAAGAAGCCGAAGAATCCCAGTACCATGAGGACGTAGAGGGCCTC[C>T]AGCTTGCCGTCACTGCTGCGGGGGGACCTGCGGGCCAGGCCCGACATGTTGCCACCCTGC-3'
Protein context (NP_000210.2, residues 32-52): RRSPRSSDGK[Leu42=]EALYVLMVLG